The following is an entry in ClinVar:

ClinVar aggregate classification (germline): Conflicting classifications of pathogenicity. Review status: criteria provided, conflicting classifications (1 of 4 stars). 8 submissions from 8 submitters: Uncertain significance (5); Likely benign (3). Last evaluated 2026-08-24.

Conditions:
Hereditary cancer-predisposing syndrome. Also called: Hereditary Cancer Syndrome; Hereditary neoplastic syndrome; Neoplastic Syndromes, Hereditary; Tumor predisposition. Identifiers: Orphanet 140162, MedGen C0027672, MeSH D009386, MONDO:0015356.
Hereditary breast ovarian cancer syndrome. Also called: Hereditary breast and/or ovarian cancer syndrome; Hereditary breast and ovarian cancer syndrome (HBOC); BRCA1- and BRCA2-Associated Hereditary Breast and Ovarian Cancer; Hereditary breast and ovarian cancer; Breast and ovarian cancer; Hereditary breast and ovarian cancer syndrome. Identifiers: Orphanet 145, MedGen C0677776, MeSH D061325, MONDO:0003582. Disease mechanism: loss of function.
Breast-ovarian cancer, familial, susceptibility to, 1 (BROVCA1). Also called: OVARIAN CANCER, SUSCEPTIBILITY TO; BRCA1 Hereditary Breast and Ovarian Cancer. Identifiers: Orphanet 145, MedGen C2676676, MONDO:0011450, OMIM 604370. Disease mechanism: loss of function.

Allele frequency attached by ClinVar (database versions not stated): TOPMed 0.00001.
gnomAD v4.1: 2 of 1,613,798 alleles (0.00012%); highest among the groups gnomAD compares: Non-Finnish European, 0.00017%; no homozygotes.

Submissions (8):

Myriad Genetics, Inc.
Classification: Likely benign for Breast-ovarian cancer, familial, susceptibility to, 1. Last evaluated: 2026-08-24. Review status: criteria provided, single submitter. Criteria: Myriad Autosomal Dominant, Autosomal Recessive and X-Linked Classification Criteria (2023). Collection method: clinical testing. Allele origin: unknown.
Comment: This variant is considered likely benign. This variant is strongly associated with less severe personal and family histories of cancer, typical for individuals without pathogenic variants in this gene [PMID: 25085752].

Labcorp Genetics (formerly Invitae), Labcorp
Classification: Uncertain significance for Hereditary breast ovarian cancer syndrome. Last evaluated: 2026-01-13. Review status: criteria provided, single submitter. Criteria: Invitae Variant Classification Sherloc (09022015). Collection method: clinical testing. Allele origin: germline.
Comment: This sequence change replaces proline, which is neutral and non-polar, with alanine, which is neutral and non-polar, at codon 346 of the BRCA1 protein (p.Pro346Ala). This variant is not present in population databases (gnomAD no frequency). This variant has not been reported in the literature in individuals affected with BRCA1-related conditions. ClinVar contains an entry for this variant (Variation ID: 573731). Invitae Evidence Modeling of protein sequence and biophysical properties (such as structural, functional, and spatial information, amino acid conservation, physicochemical variation, residue mobility, and thermodynamic stability) indicates that this missense variant is not expected to disrupt BRCA1 protein function with a negative predictive value of 80%. In summary, the available evidence is currently insufficient to determine the role of this variant in disease. Therefore, it has been classified as a Variant of Uncertain Significance.

Quest Diagnostics Nichols Institute San Juan Capistrano
Classification: Uncertain significance. Last evaluated: 2025-10-09. Review status: criteria provided, single submitter. Criteria: Quest Diagnostics criteria. Collection method: clinical testing. Allele origin: unknown.
Comment: The BRCA1 c.1036C>G (p.Pro346Ala) variant has been reported in the published literature to be located in a region of the BRCA1 gene that is tolerant to missense sequence changes (PMID: 31911673 (2020)). This variant has not been reported in large, multi-ethnic general populations (Genome Aggregation Database). Analysis of this variant using bioinformatics tools for the prediction of the effect of amino acid changes on protein structure and function yielded predictions that this variant is benign. Based on the available information, we are unable to determine the clinical significance of this variant.

Ambry Genetics
Classification: Likely benign for Hereditary cancer-predisposing syndrome. Last evaluated: 2024-10-17. Review status: criteria provided, single submitter. Criteria: Ambry Variant Classification Scheme 2023. Collection method: clinical testing. Allele origin: germline.

University of Washington Department of Laboratory Medicine, University of Washington
Classification: Likely benign for Hereditary cancer-predisposing syndrome. Last evaluated: 2023-03-23. Review status: criteria provided, single submitter. Criteria: Dines et al. (Genet Med. 2020). Collection method: curation. Allele origin: germline.
Comment: Missense variant in a coldspot region where missense variants are very unlikely to be pathogenic (PMID:31911673).

BRCA1 coldspot (exon 11 using historical exon numbering). Reclassification based on statistical prior probability

Women's Health and Genetics/Laboratory Corporation of America, LabCorp
Classification: Uncertain significance. Last evaluated: 2021-11-19. Review status: criteria provided, single submitter. Criteria: LabCorp Variant Classification Summary - May 2015. Collection method: clinical testing. Allele origin: germline.

GeneDx
Classification: Uncertain significance. Last evaluated: 2020-03-03. Review status: criteria provided, single submitter. Criteria: GeneDx Variant Classification Process June 2021. Collection method: clinical testing. Allele origin: germline. Affected: yes.
Comment: Not observed in large population cohorts (Lek et al., 2016); In silico analysis supports that this missense variant has a deleterious effect on protein structure/function; Has not been previously published as pathogenic or benign to our knowledge; Also known as 1155C>G

Color Diagnostics, LLC DBA Color Health
Classification: Uncertain significance for Hereditary cancer-predisposing syndrome. Last evaluated: 2019-04-30. Review status: criteria provided, single submitter. Criteria: ACMG Guidelines, 2015. Collection method: clinical testing. Allele origin: germline.

Literature cited by the submitters: PubMed 25085752 (cited by Myriad Genetics, Inc.); PubMed 31911673 (cited by Quest Diagnostics Nichols Institute San Juan Capistrano).

NM_007294.4(BRCA1):c.1036C>G (p.Pro346Ala)

Gene: BRCA1 (BRCA1 DNA repair associated; minus strand). Cytogenetic location: 17q21.31.
Variant type: single nucleotide variant.
Coding change: c.1036C>G on transcript NM_007294.4 (MANE Select); coding-DNA position 1036, C replaced by G.
Protein change: p.Pro346Ala; replaces proline 346 with alanine.
Molecular consequence: missense variant. On other transcripts: intron variant (137).
Genome position (GRCh38, 1-based): chr17:43,094,495, G>C on the plus strand (C>G on the coding strand, the complement: BRCA1 is on the minus strand). VCF-style: chr17-43094495-G-C. GRCh37 (hg19) VCF-style: chr17-41246512-G-C.
Other names: c.670+1351C>G (NM_001408419.1, NM_001408422.1, NM_001408418.1 and 2 more transcripts); c.787+249C>G (NM_001408403.1, NM_001407983.1, NM_001407975.1 and 19 more transcripts); c.790+246C>G (NM_001408406.1); c.646+249C>G (NM_001408456.1, NM_001408410.1, NM_001408455.1 and 11 more transcripts); c.643+249C>G (NM_001408465.1, NM_001408463.1, NM_001408462.1 and 3 more transcripts); c.577+249C>G (NM_001408482.1, NM_001408484.1, NM_001408478.1 and 9 more transcripts); c.520+249C>G (NM_001408504.1, NM_001408503.1, NM_001408505.1); c.523+249C>G (NM_001408499.1, NM_001408501.1, NM_001408500.1 and 3 more transcripts); and 40 more; short protein forms P346A, P299A, P178A, P234A, P343A, P219A, P235A, P258A.
Identifiers: ClinVar variation 573731 (VCV000573731.24), dbSNP rs80357015, ClinGen allele CA10599986.